The following is an entry in ClinVar:

NM_201384.3(PLEC):c.581A>G (p.Asn194Ser)

Gene: PLEC (plectin; minus strand). Cytogenetic location: 8q24.3.
Variant type: single nucleotide variant.
Coding change: c.581A>G on transcript NM_201384.3 (MANE Select); coding-DNA position 581, A replaced by G.
Protein change: p.Asn194Ser; replaces asparagine 194 with serine.
Molecular consequence: missense variant.
Genome position (GRCh38, 1-based): chr8:143,935,869, T>C on the plus strand (A>G on the coding strand, the complement: PLEC is on the minus strand). VCF-style: chr8-143935869-T-C. GRCh37 (hg19) VCF-style: chr8-145010037-T-C.
Other names: c.662A>G, p.Asn221Ser (NM_000445.5); c.539A>G, p.Asn180Ser (NM_201378.4); c.515A>G, p.Asn172Ser (NM_201379.3); c.992A>G, p.Asn331Ser (NM_201380.4); c.485A>G, p.Asn162Ser (NM_201381.3); c.581A>G, p.Asn194Ser (NM_201382.4); c.593A>G, p.Asn198Ser (NM_201383.3); short protein forms N162S, N172S, N180S, N194S, N198S, N221S, N331S.
Identifiers: ClinVar variation 1053312 (VCV001053312.5), dbSNP rs1358786912, ClinGen allele CA372588308.
Genomic context (GRCh38, chr8:143,935,869, plus strand): 5'-GCCCCCAGCCCACAGCCCCCTGCCCCCGGGGCCATGTACTTGTGCCGGTGGATGATGGCA[T>C]TGAAGAGGCGGCCGTCTCTCCAGCTGGAGGTGAAGTTGTCGCATCGCAGGCCCTGGTACC-3'
Protein context (NP_958786.1, residues 184-204): TSSWRDGRLF[Asn194Ser]AIIHRHKPLL

ClinVar aggregate classification (germline): Uncertain significance (1 of 4 stars; one submission).

Conditions:
Epidermolysis bullosa simplex 5B, with muscular dystrophy (EBS5B). Also called: Epidermolysis bullosa simplex with muscular dystrophy; EPIDERMOLYSIS BULLOSA SIMPLEX AND LIMB-GIRDLE MUSCULAR DYSTROPHY. Identifiers: Orphanet 257, MedGen C2931072, MONDO:0009181, OMIM 226670.
Epidermolysis bullosa simplex 5C, with pyloric atresia (EBS5C). Also called: Epidermolysis bullosa simplex with pyloric atresia; PLEC-Related Epidermolysis Bullosa with Pyloric Atresia; PLEC1-Related Epidermolysis Bullosa with Pyloric Atresia. Identifiers: Orphanet 158684, MedGen C2677349, MONDO:0012807, OMIM 612138.
Epidermolysis bullosa simplex, Ogna type (EBS5A). Also called: Pidermolysis bullosa simplex 5A, Ogna type; EPIDERMOLYSIS BULLOSA SIMPLEX 5A, OGNA TYPE. Identifiers: Orphanet 79401, MedGen C0432317, MONDO:0007555, OMIM 131950.
Autosomal recessive limb-girdle muscular dystrophy type 2Q (LGMDR17). Also called: MUSCULAR DYSTROPHY, LIMB-GIRDLE, AUTOSOMAL RECESSIVE 17. Identifiers: Orphanet 254361, MedGen C3150989, MONDO:0013390, OMIM 613723.
Epidermolysis bullosa simplex with nail dystrophy (EBS5D). Identifiers: MedGen C4225309, MONDO:0014661, OMIM 616487.

Allele frequency attached by ClinVar (database versions not stated): gnomAD 0.00001; TOPMed 0.00001.
gnomAD v4.1: 1 of 1,612,808 alleles (0.000062%); highest among the groups gnomAD compares: Non-Finnish European, 0.000085%; no homozygotes.

Submission:

Labcorp Genetics (formerly Invitae), Labcorp
Classification: Uncertain significance for Autosomal recessive limb-girdle muscular dystrophy type 2Q; Epidermolysis bullosa simplex, Ogna type; Epidermolysis bullosa simplex with nail dystrophy; Epidermolysis bullosa simplex 5C, with pyloric atresia; Epidermolysis bullosa simplex 5B, with muscular dystrophy. Last evaluated: 2022-08-23. Review status: criteria provided, single submitter. Criteria: Invitae Variant Classification Sherloc (09022015). Collection method: clinical testing. Allele origin: germline.
Comment: In summary, the available evidence is currently insufficient to determine the role of this variant in disease. Therefore, it has been classified as a Variant of Uncertain Significance. Algorithms developed to predict the effect of sequence changes on RNA splicing suggest that this variant may create or strengthen a splice site. Algorithms developed to predict the effect of missense changes on protein structure and function are either unavailable or do not agree on the potential impact of this missense change (SIFT: "Tolerated"; PolyPhen-2: "Not Available"; Align-GVGD: "Class C0"). ClinVar contains an entry for this variant (Variation ID: 1053312). This variant has not been reported in the literature in individuals affected with PLEC-related conditions. This variant is not present in population databases (gnomAD no frequency). This sequence change replaces asparagine, which is neutral and polar, with serine, which is neutral and polar, at codon 221 of the PLEC protein (p.Asn221Ser).